The following is an entry in ClinVar:

NM_000341.4(SLC3A1):c.766-6T>C

Gene: SLC3A1 (solute carrier family 3 member 1; plus strand). Cytogenetic location: 2p21.
Variant type: single nucleotide variant.
Coding change: c.766-6T>C on transcript NM_000341.4 (MANE Select); 6 bases into the intron before coding-DNA position 766, T replaced by C.
Molecular consequence: intron variant.
Genome position (GRCh38, 1-based): chr2:44,286,026, T>C. VCF-style: chr2-44286026-T-C. GRCh37 (hg19) VCF-style: chr2-44513165-T-C.
Identifiers: ClinVar variation 3045976 (VCV003045976.2), dbSNP rs769893081, ClinGen allele CA1640264.
Genomic context (GRCh38, chr2:44,286,026, plus strand): 5'-CAATGATCTTTATTTGTGGGCAATACCATTATAGGTCACTGATGTGCTGTTTTCTTTGTT[T>C]GCCAGTTAAGTGTGTATGGAAACTCCAGTTGGCACTTTGACGAAGTGCGAAACCAATGTT-3'

ClinVar aggregate classification (germline): Likely benign (0 of 4 stars; one submission).

Conditions:
SLC3A1-related disorder. Also called: SLC3A1-related condition.

Allele frequency attached by ClinVar (database versions not stated): ExAC 0.00001; gnomAD 0.00001.
gnomAD v4.1: 12 of 1,614,080 alleles (0.00074%); highest among the groups gnomAD compares: Non-Finnish European, 0.001%; no homozygotes.

Submission:

PreventionGenetics, part of Exact Sciences
Classification: Likely benign for SLC3A1-related condition. Last evaluated: 2019-10-28. Review status: no assertion criteria provided. Collection method: clinical testing. Allele origin: germline.
Comment: This variant is classified as likely benign based on ACMG/AMP sequence variant interpretation guidelines (Richards et al. 2015 PMID: 25741868, with internal and published modifications).